The following is an entry in ClinVar:

NM_002693.3(POLG):c.1638C>T (p.Arg546=)

Gene: POLG (DNA polymerase gamma, catalytic subunit; minus strand). Cytogenetic location: 15q26.1.
Variant type: single nucleotide variant.
Coding change: c.1638C>T on transcript NM_002693.3 (MANE Select); coding-DNA position 1638, C replaced by T.
Protein change: p.Arg546=; no amino-acid change (arginine 546 retained).
Molecular consequence: synonymous variant.
Genome position (GRCh38, 1-based): chr15:89,326,686, G>A on the plus strand (C>T on the coding strand, the complement: POLG is on the minus strand). VCF-style: chr15-89326686-G-A. GRCh37 (hg19) VCF-style: chr15-89869917-G-A.
Other names: c.1638C>T, p.Arg546= (NM_001126131.2).
Identifiers: ClinVar variation 378410 (VCV000378410.14), dbSNP rs772461291, ClinGen allele CA7724739.

ClinVar aggregate classification (germline): Likely benign. Review status: criteria provided, multiple submitters, no conflicts (2 of 4 stars). 4 submissions from 4 submitters: Likely benign (4). Last evaluated 2025-12-22.

Conditions:
Progressive sclerosing poliodystrophy (MTDPS4A). Also called: ALPERS PROGRESSIVE INFANTILE POLIODYSTROPHY; NEURONAL DEGENERATION OF CHILDHOOD WITH LIVER DISEASE, PROGRESSIVE; Alpers-Huttenlocher Syndrome (AHS); Alpers Syndrome; Mitochondrial DNA Depletion Syndrome 4A; ALPERS DIFFUSE DEGENERATION OF CEREBRAL GRAY MATTER WITH HEPATIC CIRRHOSIS. Identifiers: Orphanet 726, MedGen C0205710, MONDO:0008758, OMIM 203700.

Allele frequency attached by ClinVar (database versions not stated): gnomAD exomes 0.00002 and 0.00003; TOPMed 0.00002; ExAC 0.00003; gnomAD 0.00004.
gnomAD v4.1: 55 of 1,613,996 alleles (0.0034%); highest among the groups gnomAD compares: Non-Finnish European, 0.004%; no homozygotes.

Submissions (4):

Labcorp Genetics (formerly Invitae), Labcorp
Classification: Likely benign for Progressive sclerosing poliodystrophy. Last evaluated: 2025-12-22. Review status: criteria provided, single submitter. Criteria: Invitae Variant Classification Sherloc (09022015). Collection method: clinical testing. Allele origin: germline.

GeneDx
Classification: Likely benign. Last evaluated: 2020-01-08. Review status: criteria provided, single submitter. Criteria: GeneDx Variant Classification Process June 2021. Collection method: clinical testing. Allele origin: germline. Affected: yes.

Wong Mito Lab, Molecular and Human Genetics, Baylor College of Medicine
Classification: Likely benign for Progressive sclerosing poliodystrophy. Last evaluated: 2018-10-01. Review status: criteria provided, single submitter. Criteria: ACMG Guidelines, 2015. Collection method: clinical testing. Allele origin: germline.
Comment: The NM_002693.2:c.1638C>T (NP_002684.1:p.Arg546=) [GRCH38: NC_000015.10:g.89326686G>A] variant in POLG gene is interpretated to be a Likely Benign based on ACMG guidelines (PMID: 25741868). This variant meets the following evidence codes reported in the ACMG-guideline. BP4:Computational evidence/predictors indicate no impact on the POLG structure, function, or protein-protein interaction. BP7:The variant is silent with non predicted splice impact. Based on the evidence criteria codes applied, the variant is suggested to be Likely Benign.

Athena Diagnostics
Classification: Likely benign. Last evaluated: 2018-08-24. Review status: criteria provided, single submitter. Criteria: Athena Diagnostics Criteria. Collection method: clinical testing. Allele origin: germline.